The following is an entry in ClinVar:

NM_001130987.2(DYSF):c.4050C>T (p.Thr1350=)

Gene: DYSF (dysferlin; plus strand). Cytogenetic location: 2p13.2.
Variant type: single nucleotide variant.
Coding change: c.4050C>T on transcript NM_001130987.2 (MANE Select); coding-DNA position 4050, C replaced by T.
Protein change: p.Thr1350=; no amino-acid change (threonine 1350 retained).
Molecular consequence: synonymous variant.
Genome position (GRCh38, 1-based): chr2:71,611,337, C>T. VCF-style: chr2-71611337-C-T. GRCh37 (hg19) VCF-style: chr2-71838467-C-T.
Other names: c.3999C>T, p.Thr1333= (NM_001130455.2, NM_001130983.2); c.3954C>T, p.Thr1318= (NM_001130976.2, NM_001130977.2); c.3996C>T, p.Thr1332= (NM_001130978.2, NM_003494.4); c.4089C>T, p.Thr1363= (NM_001130979.2); c.4047C>T, p.Thr1349= (NM_001130980.2, NM_001130981.2); c.4092C>T, p.Thr1364= (NM_001130982.2); c.3957C>T, p.Thr1319= (NM_001130984.2, NM_001130986.2); c.4050C>T, p.Thr1350= (NM_001130985.2).
Identifiers: ClinVar variation 392561 (VCV000392561.14), dbSNP rs138751942, ClinGen allele CA1706850.

ClinVar aggregate classification (germline): Likely benign. Review status: criteria provided, multiple submitters, no conflicts (2 of 4 stars). 4 submissions from 4 submitters: Likely benign (3). 1 of the submissions does not count toward it. Last evaluated 2026-01-26.

Conditions:
Neuromuscular disease caused by qualitative or quantitative defects of dysferlin. Also called: Dysferlinopathy; Qualitative or quantitative defects of dysferlin. Identifiers: Orphanet 207073, MedGen C2931687, MONDO:0016145.
DYSF-related disorder. Also called: DYSF-related condition; DYSF-related disorders.

Allele frequency attached by ClinVar (database versions not stated): gnomAD exomes 0.00002 and 0.00005; ExAC 0.00005; 1000 Genomes Project 30x 0.00016; 1000 Genomes Project 0.00020; gnomAD 0.00021 and 0.00024; ESP Exome Variant Server 0.00023; TOPMed 0.00025.
gnomAD v4.1: 74 of 1,613,894 alleles (0.0046%); highest among the groups gnomAD compares: African/African-American, 0.073%; no homozygotes.

Submissions (4):

Labcorp Genetics (formerly Invitae), Labcorp
Classification: Likely benign for Neuromuscular disease caused by qualitative or quantitative defects of dysferlin. Last evaluated: 2026-01-26. Review status: criteria provided, single submitter. Criteria: Invitae Variant Classification Sherloc (09022015). Collection method: clinical testing. Allele origin: germline.

Athena Diagnostics
Classification: Likely benign. Last evaluated: 2017-10-31. Review status: criteria provided, single submitter. Criteria: Athena Diagnostics Criteria. Collection method: clinical testing. Allele origin: germline.

GeneDx
Classification: Likely benign. Last evaluated: 2017-01-10. Review status: criteria provided, single submitter. Criteria: GeneDx Variant Classification (06012015). Collection method: clinical testing. Allele origin: germline. Affected: yes.
Comment: This variant is considered likely benign or benign based on one or more of the following criteria: it is a conservative change, it occurs at a poorly conserved position in the protein, it is predicted to be benign by multiple in silico algorithms, and/or has population frequency not consistent with disease.

PreventionGenetics, part of Exact Sciences
Classification: Likely benign for DYSF-related condition. Last evaluated: 2019-08-29. Review status: no assertion criteria provided. Collection method: clinical testing. Allele origin: germline. Not counted in ClinVar's aggregate classification.
Comment: This variant is classified as likely benign based on ACMG/AMP sequence variant interpretation guidelines (Richards et al. 2015 PMID: 25741868, with internal and published modifications).